The following is an entry in ClinVar:

NM_024519.4(RIPOR1):c.285G>A (p.Glu95=)

Gene: RIPOR1 (RHO family interacting cell polarization regulator 1; plus strand). Cytogenetic location: 16q22.1.
Variant type: single nucleotide variant.
Coding change: c.285G>A on transcript NM_024519.4 (MANE Select); coding-DNA position 285, G replaced by A.
Protein change: p.Glu95=; no amino-acid change (glutamic acid 95 retained).
Molecular consequence: synonymous variant.
Genome position (GRCh38, 1-based): chr16:67,539,017, G>A. VCF-style: chr16-67539017-G-A. GRCh37 (hg19) VCF-style: chr16-67572920-G-A.
Other names: c.297G>A, p.Glu99= (NM_001193522.2); c.345G>A, p.Glu115= (NM_001193523.2, NM_001410885.1); c.327G>A, p.Glu109= (NM_001193524.2).
Identifiers: ClinVar variation 2646622 (VCV002646622.24), dbSNP rs148612121, ClinGen allele CA8111502.

ClinVar aggregate classification (germline): Likely benign (1 of 4 stars; one submission).

Allele frequency attached by ClinVar (database versions not stated): gnomAD 0.00009; TOPMed 0.00014; ESP Exome Variant Server 0.00015; 1000 Genomes Project 30x 0.00016; ExAC 0.00018; 1000 Genomes Project 0.00020; gnomAD exomes 0.00049.
gnomAD v4.1: 716 of 1,613,634 alleles (0.044%); highest among the groups gnomAD compares: Non-Finnish European, 0.058%; 1 homozygote.

Submission:

CeGaT Center for Human Genetics Tuebingen
Classification: Likely benign. Last evaluated: 2022-06-01. Review status: criteria provided, single submitter. Criteria: CeGaT Center For Human Genetics Tuebingen Variant Classification Criteria Version 2. Collection method: clinical testing. Allele origin: germline. Affected: yes. Observed: 1 variant allele.
Comment: RIPOR1: BP4, BP7